The following is an entry in ClinVar:

ClinVar aggregate classification (germline): Uncertain significance. Review status: criteria provided, multiple submitters, no conflicts (2 of 4 stars). 2 submissions from 2 submitters: Uncertain significance (2). Last evaluated 2025-01-18.

gnomAD v4.1: 1 of 1,208,264 alleles (0.000083%); highest among the groups gnomAD compares: Non-Finnish European, 0.00011%; no homozygotes.

Submissions (2):

Labcorp Genetics (formerly Invitae), Labcorp
Classification: Uncertain significance. Last evaluated: 2025-01-18. Review status: criteria provided, single submitter. Criteria: Invitae Variant Classification Sherloc (09022015). Collection method: clinical testing. Allele origin: germline.
Comment: This sequence change replaces tyrosine, which is neutral and polar, with histidine, which is basic and polar, at codon 284 of the NYX protein (p.Tyr284His). This variant is not present in population databases (gnomAD no frequency). This variant has not been reported in the literature in individuals affected with NYX-related conditions. Invitae Evidence Modeling of protein sequence and biophysical properties (such as structural, functional, and spatial information, amino acid conservation, physicochemical variation, residue mobility, and thermodynamic stability) indicates that this missense variant is not expected to disrupt NYX protein function with a negative predictive value of 80%. In summary, the available evidence is currently insufficient to determine the role of this variant in disease. Therefore, it has been classified as a Variant of Uncertain Significance.

Blueprint Genetics
Classification: Uncertain significance. Last evaluated: 2024-05-22. Review status: criteria provided, single submitter. Criteria: ACMG Guidelines, 2015. Collection method: clinical testing. Allele origin: germline.

NM_001378477.3(NYX):c.835T>C (p.Tyr279His)

Gene: NYX (nyctalopin; plus strand). Cytogenetic location: Xp11.4.
Variant type: single nucleotide variant.
Coding change: c.835T>C on transcript NM_001378477.3 (MANE Select); coding-DNA position 835, T replaced by C.
Protein change: p.Tyr279His; replaces tyrosine 279 with histidine.
Molecular consequence: missense variant.
Genome position (GRCh38, 1-based): chrX:41,474,303, T>C. VCF-style: chrX-41474303-T-C. GRCh37 (hg19) VCF-style: chrX-41333556-T-C.
Other names: c.835T>C, p.Tyr279His (NM_022567.3); short protein forms Y279H.
Identifiers: ClinVar variation 3644372 (VCV003644372.3).